The following is an entry in ClinVar:

ClinVar aggregate classification (germline): Uncertain significance (1 of 4 stars; one submission).

Submission:

Labcorp Genetics (formerly Invitae), Labcorp
Classification: Uncertain significance. Last evaluated: 2021-11-15. Review status: criteria provided, single submitter. Criteria: Invitae Variant Classification Sherloc (09022015). Collection method: clinical testing. Allele origin: germline.
Comment: In summary, the available evidence is currently insufficient to determine the role of this variant in disease. Therefore, it has been classified as a Variant of Uncertain Significance. Algorithms developed to predict the effect of missense changes on protein structure and function are either unavailable or do not agree on the potential impact of this missense change (SIFT: "Deleterious"; PolyPhen-2: "Probably Damaging"; Align-GVGD: "Class C0"). This variant has not been reported in the literature in individuals affected with ABHD12-related conditions. This variant is not present in population databases (gnomAD no frequency). This sequence change replaces histidine, which is basic and polar, with tyrosine, which is neutral and polar, at codon 199 of the ABHD12 protein (p.His199Tyr).

NM_001042472.3(ABHD12):c.595C>T (p.His199Tyr)

Gene: ABHD12 (abhydrolase domain containing 12, lysophospholipase; minus strand). Cytogenetic location: 20p11.21.
Variant type: single nucleotide variant.
Coding change: c.595C>T on transcript NM_001042472.3 (MANE Select); coding-DNA position 595, C replaced by T.
Protein change: p.His199Tyr; replaces histidine 199 with tyrosine.
Molecular consequence: missense variant.
Genome position (GRCh38, 1-based): chr20:25,314,949, G>A on the plus strand (C>T on the coding strand, the complement: ABHD12 is on the minus strand). VCF-style: chr20-25314949-G-A. GRCh37 (hg19) VCF-style: chr20-25295585-G-A.
Other names: c.595C>T, p.His199Tyr (NM_015600.5); short protein forms H199Y.
Identifiers: ClinVar variation 1380610 (VCV001380610.6), dbSNP rs2145954824, ClinGen allele CA408456398.